The following is an entry in ClinVar:

NM_000123.4(ERCC5):c.3549A>G (p.Lys1183=)

Genes: BIVM-ERCC5 (BIVM-ERCC5 readthrough; plus strand), ERCC5 (ERCC excision repair 5, endonuclease; plus strand). Cytogenetic location: 13q33.1.
Variant type: single nucleotide variant.
Coding change: c.3549A>G on transcript NM_000123.4 (MANE Select); coding-DNA position 3549, A replaced by G.
Protein change: p.Lys1183=; no amino-acid change (lysine 1183 retained).
Molecular consequence: synonymous variant.
Genome position (GRCh38, 1-based): chr13:102,875,891, A>G. VCF-style: chr13-102875891-A-G. GRCh37 (hg19) VCF-style: chr13-103528241-A-G.
Other names: c.4911A>G, p.Lys1637= (NM_001204425.2).
Identifiers: ClinVar variation 2643927 (VCV002643927.24), dbSNP rs1883207876, ClinGen allele CA484859365.

ClinVar aggregate classification (germline): Likely benign (1 of 4 stars; one submission).

Allele frequency attached by ClinVar (database versions not stated): gnomAD exomes below 0.00001; TOPMed below 0.00001.
gnomAD v4.1: 4 of 1,607,484 alleles (0.00025%); highest among the groups gnomAD compares: Non-Finnish European, 0.00034%; no homozygotes.

Submission:

CeGaT Center for Human Genetics Tuebingen
Classification: Likely benign. Last evaluated: 2023-08-01. Review status: criteria provided, single submitter. Criteria: CeGaT Center For Human Genetics Tuebingen Variant Classification Criteria Version 2. Collection method: clinical testing. Allele origin: germline. Affected: yes. Observed: 1 variant allele.
Comment: ERCC5: PM2:Supporting, BP4, BP7